The following is an entry in ClinVar:

ClinVar aggregate classification (germline): Likely benign (1 of 4 stars; one submission).

Allele frequency attached by ClinVar (database versions not stated): 1000 Genomes Project 30x 0.00094; 1000 Genomes Project 0.00100; ESP Exome Variant Server 0.00200.
gnomAD v4.1: 4,430 of 1,614,166 alleles (0.27%); highest among the groups gnomAD compares: Non-Finnish European, 0.33%; 7 homozygotes.

Submission:

CeGaT Center for Human Genetics Tuebingen
Classification: Likely benign. Last evaluated: 2023-03-01. Review status: criteria provided, single submitter. Criteria: CeGaT Center For Human Genetics Tuebingen Variant Classification Criteria Version 2. Collection method: clinical testing. Allele origin: germline. Affected: yes. Observed: 1 variant allele.
Comment: BYSL: BP4, BP7, BS2

NM_004053.4(BYSL):c.1245C>G (p.Pro415=)

Gene: BYSL (bystin like; plus strand). Cytogenetic location: 6p21.1.
Variant type: single nucleotide variant.
Coding change: c.1245C>G on transcript NM_004053.4 (MANE Select); coding-DNA position 1245, C replaced by G.
Protein change: p.Pro415=; no amino-acid change (proline 415 retained).
Molecular consequence: synonymous variant.
Genome position (GRCh38, 1-based): chr6:41,932,637, C>G. VCF-style: chr6-41932637-C-G. GRCh37 (hg19) VCF-style: chr6-41900375-C-G.
Identifiers: ClinVar variation 2656545 (VCV002656545.24), dbSNP rs149587548, ClinGen allele CA3804091.